The following is an entry in ClinVar:

NM_000257.4(MYH7):c.4664A>G (p.Glu1555Gly)

Genes: MHRT (myosin heavy chain associated RNA transcript; plus strand), MYH7 (myosin heavy chain 7; minus strand), LOC126861897 (BRD4-independent group 4 enhancer GRCh37_chr14:23884455-23885654; plus strand). Cytogenetic location: 14q11.2.
Variant type: single nucleotide variant.
Coding change: c.4664A>G on transcript NM_000257.4 (MANE Select); coding-DNA position 4664, A replaced by G.
Protein change: p.Glu1555Gly; replaces glutamic acid 1555 with glycine.
Molecular consequence: missense variant. On other transcripts: non-coding transcript variant (1).
Genome position (GRCh38, 1-based): chr14:23,416,293, T>C on the plus strand (A>G on the coding strand, the complement: MYH7 is on the minus strand). VCF-style: chr14-23416293-T-C. GRCh37 (hg19) VCF-style: chr14-23885502-T-C.
Other names: p.E1555G:GAG>GGG; c.4664A>G, p.Glu1555Gly (NM_001407004.1); short protein forms E1555G.
Identifiers: ClinVar variation 181261 (VCV000181261.4), dbSNP rs730880805, ClinGen allele CA015211.
Genomic context (GRCh38, chr14:23,416,293, plus strand): 5'-TTCCGCTCGATCTCTGCCTTGATCTGGTTGAACTCCAGCTGGGCCCGGAGGATCTTGCCC[T>C]CCTCGTGCTCCAGGGAGGCCTGGGAAGGGGTTGGGGGAGGGGATGCAGGCAGACAGTCAG-3'
Protein context (NP_000248.2, residues 1545-1565): EEAEASLEHE[Glu1555Gly]GKILRAQLEF

ClinVar aggregate classification (germline): Pathogenic. Review status: criteria provided, single submitter (1 of 4 stars). 2 submissions from 2 submitters: Pathogenic (1). 1 of the submissions does not count toward it. Last evaluated 2012-05-24.

Conditions:
Myopathy, myosin storage, autosomal recessive (CMYO7B). Also called: CONGENITAL MYOPATHY 7B, MYOSIN STORAGE, AUTOSOMAL RECESSIVE. Identifiers: Orphanet 636970, MedGen C1850709, MONDO:0009708, OMIM 255160.

Allele frequency attached by ClinVar (database versions not stated): gnomAD exomes below 0.00001.

Submissions (2):

GeneDx
Classification: Pathogenic. Last evaluated: 2012-05-24. Review status: criteria provided, single submitter. Criteria: GeneDx Variant Classification (06012015). Collection method: clinical testing. Allele origin: germline. Affected: yes.
Comment: p.Glu1555Gly (GAG>GGG): c.4664 A>G in exon 34 of the MYH7 gene (NM_000257.2). The Glu1555Gly mutation in the MYH7 gene has not been previously reported as a disease-causing mutation or as a benign polymorphism, to our knowledge. Glu1555Gly results in a non-conservative amino acid substitution of a negatively charged Glutamic acid residue with a non-polar Glycine residue. Another mutation at the same residue (Glu1555Lys) has been reported in association with HCM, supporting the functional importance of this residue. The NHLBI ESP Exome Variant Server reports Glu1555Gly was not observed in approximately 5,000 samples from individuals of European and African American backgrounds, indicating it is not a common benign variant in these populations. In summary, Glu1555Gly in the MYH7 gene is interpreted to be a likely disease-causing mutation. The variant is found in HCM panel(s).

OMIM
Classification: Pathogenic for CONGENITAL MYOPATHY 7B, MYOSIN STORAGE, AUTOSOMAL RECESSIVE. Last evaluated: 2024-07-16. Review status: no assertion criteria provided. Collection method: literature only. Allele origin: germline. Not counted in ClinVar's aggregate classification.

Literature cited by the submitters: PubMed 31130376 (cited by OMIM).